The following is an entry in ClinVar:

NM_032119.4(ADGRV1):c.8161A>G (p.Ile2721Val)

Gene: ADGRV1 (adhesion G protein-coupled receptor V1; plus strand). Cytogenetic location: 5q14.3.
Variant type: single nucleotide variant.
Coding change: c.8161A>G on transcript NM_032119.4 (MANE Select); coding-DNA position 8161, A replaced by G.
Protein change: p.Ile2721Val; replaces isoleucine 2721 with valine.
Molecular consequence: missense variant. On other transcripts: non-coding transcript variant (1).
Genome position (GRCh38, 1-based): chr5:90,703,670, A>G. VCF-style: chr5-90703670-A-G. GRCh37 (hg19) VCF-style: chr5-89999487-A-G.
Other names: short protein forms I2721V.
Identifiers: ClinVar variation 46386 (VCV000046386.51), dbSNP rs201963060, ClinGen allele CA138236.

ClinVar aggregate classification (germline): Conflicting classifications of pathogenicity. Review status: criteria provided, conflicting classifications (1 of 4 stars). 10 submissions from 10 submitters: Uncertain significance (4); Likely benign (6). Last evaluated 2026-09-11.

Conditions:
ADGRV1-related disorder. Also called: ADGRV1-related disorders; ADGRV1-related condition.
Usher syndrome type 2C. Also called: Usher syndrome, type 2B; USHER SYNDROME, TYPE IIC. Identifiers: Orphanet 231178, Orphanet 886, MedGen C2931213, MONDO:0011558, OMIM 605472.
Febrile seizures, familial, 4 (FEB4). Also called: CONVULSIONS, FAMILIAL FEBRILE, 4. Identifiers: MedGen C1858493, MONDO:0011443, OMIM 604352.

Allele frequency attached by ClinVar (database versions not stated): gnomAD 0.00052 and 0.00056; 1000 Genomes Project 30x 0.00016; ESP Exome Variant Server 0.00051; gnomAD exomes 0.00052 and 0.00079; TOPMed 0.00055; ExAC 0.00070.
gnomAD v4.1: 1,220 of 1,596,534 alleles (0.076%); highest among the groups gnomAD compares: Non-Finnish European, 0.098%; 1 homozygote.

Submissions (10):

PreventionGenetics, part of Exact Sciences
Classification: Uncertain significance for ADGRV1-related condition. Last evaluated: 2026-09-11. Review status: criteria provided, single submitter. Criteria: ACMG Guidelines, 2015. Collection method: clinical testing. Allele origin: germline.
Comment: The ADGRV1 c.8161A>G variant is predicted to result in the amino acid substitution p.Ile2721Val. This variant was reported in an individual with uveitis (supplementary data, Li et al. 2020. PubMed ID: 32707200). However, this variant is reported in 0.095% of alleles in individuals of European (Non-Finnish) descent in gnomAD, which may be too frequent to be a primary cause of disease. Although we suspect that this variant may be benign, at this time, the clinical significance of this variant is uncertain due to the absence of conclusive functional and genetic evidence.

CeGaT Center for Human Genetics Tuebingen
Classification: Likely benign. Last evaluated: 2026-08-01. Review status: criteria provided, single submitter. Criteria: CeGaT Center For Human Genetics Tuebingen Variant Classification Criteria Version 2. Collection method: clinical testing. Allele origin: germline. Affected: yes. Observed: 5 variant alleles.
Comment: ADGRV1: BP4, BS1:Supporting

Labcorp Genetics (formerly Invitae), Labcorp
Classification: Likely benign. Last evaluated: 2026-01-31. Review status: criteria provided, single submitter. Criteria: Invitae Variant Classification Sherloc (09022015). Collection method: clinical testing. Allele origin: germline.

Women's Health and Genetics/Laboratory Corporation of America, LabCorp
Classification: Likely benign. Last evaluated: 2025-10-13. Review status: criteria provided, single submitter. Criteria: LabCorp Variant Classification Summary - May 2015. Collection method: clinical testing. Allele origin: germline.
Comment: Variant summary: ADGRV1 c.8161A>G (p.Ile2721Val) results in a conservative amino acid change in the encoded protein sequence. Algorithms developed to predict the effect of missense changes on protein structure and function all suggest that this variant is likely to be tolerated. The variant allele was found at a frequency of 0.00076 in 1596534 control chromosomes in the gnomAD database, including 1 homozygotes. This frequency is not significantly higher than estimated for disease-causing variants in ADGRV1, allowing no conclusion about variant significance. To our knowledge, no occurrence of c.8161A>G in individuals affected with ADGRV1-related conditions and no experimental evidence demonstrating its impact on protein function have been reported. ClinVar contains an entry for this variant (Variation ID: 46386). Based on the evidence outlined above, the variant was classified as likely benign.

Blueprint Genetics
Classification: Likely benign. Last evaluated: 2024-11-22. Review status: criteria provided, single submitter. Criteria: ACMG Guidelines, 2015. Collection method: clinical testing. Allele origin: germline.

Fulgent Genetics
Classification: Uncertain significance for Febrile seizures, familial, 4; Usher syndrome type 2C. Last evaluated: 2024-03-13. Review status: criteria provided, single submitter. Criteria: ACMG Guidelines, 2015. Collection method: clinical testing. Allele origin: germline.

GeneDx
Classification: Likely benign. Last evaluated: 2020-06-25. Review status: criteria provided, single submitter. Criteria: GeneDx Variant Classification Process June 2021. Collection method: clinical testing. Allele origin: germline. Affected: yes.
Comment: This variant is associated with the following publications: (PMID: 32707200)

Illumina Laboratory Services, Illumina
Classification: Uncertain significance for Usher syndrome type 2C. Last evaluated: 2018-01-12. Review status: criteria provided, single submitter. Criteria: ICSL Variant Classification Criteria 13 December 2019. Collection method: clinical testing. Allele origin: germline.

Eurofins Ntd Llc (ga)
Classification: Uncertain significance. Last evaluated: 2015-01-21. Review status: criteria provided, single submitter. Criteria: EGL Classification Definitions 2015. Collection method: clinical testing. Allele origin: germline. Observed: 2 variant alleles, 2 heterozygotes.

Laboratory for Molecular Medicine, Mass General Brigham Personalized Medicine
Classification: Likely benign. Last evaluated: 2012-04-17. Review status: criteria provided, single submitter. Criteria: LMM Criteria. Collection method: clinical testing. Allele origin: germline. Observed: 5 variant alleles.
Comment: p.Ile2721Val in exon 35 of GPR98: This variant is not expected to have clinical significance due to a lack of conservation across species, including mammals. In addition, computational prediction tools do not suggest a high likelihood of im pact to the protein. It has been identified in 0.13% (60/38684) of European chro mosomes by the Exome Aggregation Consortium (ExAC, g; dbSNP rs201963060).